The following is an entry in ClinVar:

ClinVar aggregate classification (germline): Benign (1 of 4 stars; one submission).

Conditions:
Familial adenomatous polyposis 1 (FAP1). Also called: POLYPOSIS, ADENOMATOUS INTESTINAL; FAMILIAL ADENOMATOUS POLYPOSIS 1, ATTENUATED. Identifiers: MedGen C2713442, MONDO:0021056, OMIM 175100. Disease mechanism: loss of function.

Submission:

Myriad Genetics, Inc.
Classification: Benign for Familial adenomatous polyposis 1. Last evaluated: 2024-03-27. Review status: criteria provided, single submitter. Criteria: Myriad Autosomal Dominant, Autosomal Recessive and X-Linked Classification Criteria (2023). Collection method: clinical testing. Allele origin: unknown.
Comment: This variant is considered benign. This variant is a silent/synonymous amino acid change and it is not expected to impact splicing.

NM_000038.6(APC):c.4512C>T (p.Ser1504=)

Gene: APC (APC regulator of Wnt signaling pathway; plus strand). Cytogenetic location: 5q22.2.
Variant type: single nucleotide variant.
Coding change: c.4512C>T on transcript NM_000038.6 (MANE Select); coding-DNA position 4512, C replaced by T.
Protein change: p.Ser1504=; no amino-acid change (serine 1504 retained).
Molecular consequence: synonymous variant. On other transcripts: non-coding transcript variant (2).
Genome position (GRCh38, 1-based): chr5:112,840,106, C>T. VCF-style: chr5-112840106-C-T. GRCh37 (hg19) VCF-style: chr5-112175803-C-T.
Other names: c.4512C>T, p.Ser1504= (NM_001127510.3, NM_001354895.2, NM_001407450.1); c.4458C>T, p.Ser1486= (NM_001127511.3); c.4566C>T, p.Ser1522= (NM_001354896.2, NM_001407447.1, NM_001407448.1 and 1 more transcripts); c.4542C>T, p.Ser1514= (NM_001354897.2); c.4437C>T, p.Ser1479= (NM_001354898.2); c.4428C>T, p.Ser1476= (NM_001354899.2); c.4389C>T, p.Ser1463= (NM_001354900.2); c.4335C>T, p.Ser1445= (NM_001354901.2, NM_001407453.1); and 11 more.
Identifiers: ClinVar variation 3148089 (VCV003148089.1), dbSNP rs999881274, ClinGen allele CA446206558.